The following is an entry in ClinVar:

ClinVar aggregate classification (germline): Conflicting classifications of pathogenicity. Review status: criteria provided, conflicting classifications (1 of 4 stars). 4 submissions from 4 submitters: Likely pathogenic (3); Uncertain significance (1). Last evaluated 2025-12-12.

Conditions:
Deficiency of cytochrome-b5 reductase. Also called: NADH-DEPENDENT METHEMOGLOBIN REDUCTASE DEFICIENCY; METHEMOGLOBINEMIA, CONGENITAL, AUTOSOMAL RECESSIVE. Identifiers: Orphanet 621, MedGen C0268193, MONDO:0009606, OMIM 250800.

Allele frequency attached by ClinVar (database versions not stated): ExAC 0.00001; gnomAD 0.00001; TOPMed 0.00001; gnomAD exomes 0.00002 and 0.00001.

Submissions (4):

3billion
Classification: Likely pathogenic for Deficiency of cytochrome-b5 reductase. Last evaluated: 2025-12-12. Review status: criteria provided, single submitter. Criteria: ACMG Guidelines, 2015. Collection method: clinical testing. Allele origin: germline. Affected: yes.
Comment: The variant is observed at an extremely low frequency in the gnomAD v4.1.0 dataset (total allele frequency: <0.001%). Predicted Consequence/Location: Missense variant The same nucleotide change resulting in the same amino acid change has been previously reported as pathogenic/likely pathogenic with strong evidence (ClinVar ID: VCV000989273). Therefore, this variant is classified as Likely pathogenic according to the recommendation of ACMG/AMP guideline.

Neuberg Centre For Genomic Medicine, NCGM
Classification: Likely pathogenic for Deficiency of cytochrome-b5 reductase. Last evaluated: 2024-02-01. Review status: criteria provided, single submitter. Criteria: ACMG Guidelines, 2015. Collection method: clinical testing. Allele origin: germline. Inheritance: Autosomal recessive inheritance. Affected: yes.
Comment: The above variant in CYB5R3 gene has been previously reported in individual(s) affected with CYB5R3 related Methemoglobinemia disorder and the p.Pro269Leu is a founder variant in the Yakut population with a frequency of heterozygous carriers (Burtseva TE, et al., 2017; Galeeva NM, et al., 2013).

Labcorp Genetics (formerly Invitae), Labcorp
Classification: Uncertain significance. Last evaluated: 2022-08-09. Review status: criteria provided, single submitter. Criteria: Invitae Variant Classification Sherloc (09022015). Collection method: clinical testing. Allele origin: germline.
Comment: In summary, the available evidence is currently insufficient to determine the role of this variant in disease. Therefore, it has been classified as a Variant of Uncertain Significance. Algorithms developed to predict the effect of missense changes on protein structure and function (SIFT, PolyPhen-2, Align-GVGD) all suggest that this variant is likely to be tolerated. ClinVar contains an entry for this variant (Variation ID: 989273). This variant has not been reported in the literature in individuals affected with CYB5R3-related conditions. This variant is present in population databases (rs754251915, gnomAD 0.01%). This sequence change replaces proline, which is neutral and non-polar, with leucine, which is neutral and non-polar, at codon 269 of the CYB5R3 protein (p.Pro269Leu).

Illumina Laboratory Services, Illumina
Classification: Likely pathogenic for Deficiency of cytochrome-b5 reductase. Last evaluated: 2019-03-18. Review status: criteria provided, single submitter. Criteria: ICSLVariantClassificationCriteria RUGD 01 April 2020. Collection method: clinical testing. Allele origin: unknown.
Comment: The CYB5R3 c.806C>T (p.Pro269Leu) variant is a missense variant that has been reported in two studies, in which it is found in a total of 59 individuals with congenital methemoglobinemia type I, including at least in 16 in a homozygous state (Puzyrev and Maximova 2008; Burtseva et al. 2017). The p.Pro269Leu is a founder variant in the Yakut population with a frequency of heterozygous carriers of about 1% in the entire population of the Republic of Sakha and 7% in the indigenous Yakut population (Galeeva et al. 2013; Burtseva et al. 2017). Control data are unavailable for this variant, which is reported at a frequency of 0.000119 in the Latino population of the Genome Aggregation Database. Based on the collective evidence and application of the ACMG criteria, the p.Pro269Leu variant is classified as likely pathogenic for congenital methemoglobinemia.

Literature cited by the submitters: PubMed 19062529 (cited by Illumina Laboratory Services, Illumina); PubMed 23866629 (cited by Illumina Laboratory Services, Illumina); PubMed 27879543 (cited by Illumina Laboratory Services, Illumina).

NM_000398.7(CYB5R3):c.806C>T (p.Pro269Leu)

Gene: CYB5R3 (cytochrome b5 reductase 3; minus strand). Cytogenetic location: 22q13.2.
Variant type: single nucleotide variant.
Coding change: c.806C>T on transcript NM_000398.7 (MANE Select); coding-DNA position 806, C replaced by T.
Protein change: p.Pro269Leu; replaces proline 269 with leucine.
Molecular consequence: missense variant.
Genome position (GRCh38, 1-based): chr22:42,619,873, G>A on the plus strand (C>T on the coding strand, the complement: CYB5R3 is on the minus strand). VCF-style: chr22-42619873-G-A. GRCh37 (hg19) VCF-style: chr22-43015879-G-A.
Other names: c.737C>T, p.Pro246Leu (NM_001129819.2, NM_001171661.1, NM_007326.4); c.905C>T, p.Pro302Leu (NM_001171660.2); short protein forms P246L, P269L, P302L.
Identifiers: ClinVar variation 989273 (VCV000989273.10), dbSNP rs754251915, ClinGen allele CA10269572.
Genomic context (GRCh38, chr22:42,619,873, plus strand): 5'-TCCAGGTTGGGAAGGCAGGCGTACTGGATCATGGGTGGGGGGCCACACATCAGCACCAGC[G>A]GCTCCTCCTCTGGGGGTGGAAGGTGGTCCCGGATCATCTCCTCATTCACGAAGCCCTGGC-3'
Protein context (NP_000389.1, residues 259-279): RDHLPPPEEE[Pro269Leu]LVLMCGPPPM